The following is an entry in ClinVar:

ClinVar aggregate classification (germline): Uncertain significance (1 of 4 stars; one submission).

Conditions:
Predisposition to invasive fungal disease due to CARD9 deficiency (IMD103). Also called: Candidiasis, familial, 2, autosomal recessive; IMMUNODEFICIENCY 103, SUSCEPTIBILITY TO FUNGAL INFECTIONS; CARD9 IMMUNODEFICIENCY. Identifiers: Orphanet 457088, MedGen C1859353, MONDO:0008905, OMIM 212050.

Allele frequency attached by ClinVar (database versions not stated): gnomAD 0.00001; gnomAD exomes 0.00001 and 0.00002; ExAC 0.00002; TOPMed 0.00002.

Submission:

Labcorp Genetics (formerly Invitae), Labcorp
Classification: Uncertain significance for Predisposition to invasive fungal disease due to CARD9 deficiency. Last evaluated: 2022-08-16. Review status: criteria provided, single submitter. Criteria: Invitae Variant Classification Sherloc (09022015). Collection method: clinical testing. Allele origin: germline.
Comment: This variant is present in population databases (rs780846137, gnomAD 0.003%). This sequence change replaces valine, which is neutral and non-polar, with isoleucine, which is neutral and non-polar, at codon 123 of the CARD9 protein (p.Val123Ile). This variant has not been reported in the literature in individuals affected with CARD9-related conditions. In summary, the available evidence is currently insufficient to determine the role of this variant in disease. Therefore, it has been classified as a Variant of Uncertain Significance. Algorithms developed to predict the effect of missense changes on protein structure and function (SIFT, PolyPhen-2, Align-GVGD) all suggest that this variant is likely to be tolerated. ClinVar contains an entry for this variant (Variation ID: 950344).

NM_052813.5(CARD9):c.367G>A (p.Val123Ile)

Gene: CARD9 (caspase recruitment domain family member 9; minus strand). Cytogenetic location: 9q34.3.
Variant type: single nucleotide variant.
Coding change: c.367G>A on transcript NM_052813.5 (MANE Select); coding-DNA position 367, G replaced by A.
Protein change: p.Val123Ile; replaces valine 123 with isoleucine.
Molecular consequence: missense variant.
Genome position (GRCh38, 1-based): chr9:136,371,101, C>T on the plus strand (G>A on the coding strand, the complement: CARD9 is on the minus strand). VCF-style: chr9-136371101-C-T. GRCh37 (hg19) VCF-style: chr9-139265553-C-T.
Other names: c.367G>A, p.Val123Ile (NM_052814.4); short protein forms V123I.
Identifiers: ClinVar variation 950344 (VCV000950344.7), dbSNP rs780846137, ClinGen allele CA5333146.